The following is an entry in ClinVar:

ClinVar aggregate classification (germline): Uncertain significance (1 of 4 stars; one submission).

Conditions:
Marfan syndrome (MFS). Also called: MARFAN SYNDROME, TYPE I; Marfan syndrome type 1; Marfan's syndrome; Marfan syndrome, classic; FBN1-Related Marfan Syndrome. Identifiers: Orphanet 284963, Orphanet 558, MedGen C0024796, MONDO:0007947, OMIM 154700.
Familial thoracic aortic aneurysm and aortic dissection (TAAD). Also called: Thoracic aortic aneurysms and dissections. Identifiers: Orphanet 91387, MedGen C4707243, MONDO:0019625.

Submission:

Labcorp Genetics (formerly Invitae), Labcorp
Classification: Uncertain significance for Marfan syndrome; Familial thoracic aortic aneurysm and aortic dissection. Last evaluated: 2024-07-01. Review status: criteria provided, single submitter. Criteria: Invitae Variant Classification Sherloc (09022015). Collection method: clinical testing. Allele origin: germline.
Comment: This sequence change replaces aspartic acid, which is acidic and polar, with asparagine, which is neutral and polar, at codon 1810 of the FBN1 protein (p.Asp1810Asn). This variant is not present in population databases (gnomAD no frequency). This variant has not been reported in the literature in individuals affected with FBN1-related conditions. Advanced modeling of protein sequence and biophysical properties (such as structural, functional, and spatial information, amino acid conservation, physicochemical variation, residue mobility, and thermodynamic stability) performed at Invitae indicates that this missense variant is expected to disrupt FBN1 protein function with a positive predictive value of 80%. In summary, the available evidence is currently insufficient to determine the role of this variant in disease. Therefore, it has been classified as a Variant of Uncertain Significance.

NM_000138.5(FBN1):c.5428G>A (p.Asp1810Asn)

Gene: FBN1 (fibrillin 1; minus strand). Cytogenetic location: 15q21.1.
Variant type: single nucleotide variant.
Coding change: c.5428G>A on transcript NM_000138.5 (MANE Select); coding-DNA position 5428, G replaced by A.
Protein change: p.Asp1810Asn; replaces aspartic acid 1810 with asparagine.
Molecular consequence: missense variant.
Genome position (GRCh38, 1-based): chr15:48,452,679, C>T on the plus strand (G>A on the coding strand, the complement: FBN1 is on the minus strand). VCF-style: chr15-48452679-C-T. GRCh37 (hg19) VCF-style: chr15-48744876-C-T.
Other names: c.5428G>A, p.Asp1810Asn (NM_001406716.1); short protein forms D1810N.
Identifiers: ClinVar variation 3754062 (VCV003754062.2).